The following is an entry in ClinVar:

NM_152383.5(DIS3L2):c.2237C>A (p.Ser746Tyr)

Gene: DIS3L2 (DIS3 like 3'-5' exoribonuclease 2; plus strand). Cytogenetic location: 2q37.1.
Variant type: single nucleotide variant.
Coding change: c.2237C>A on transcript NM_152383.5 (MANE Select); coding-DNA position 2237, C replaced by A.
Protein change: p.Ser746Tyr; replaces serine 746 with tyrosine.
Molecular consequence: missense variant. On other transcripts: non-coding transcript variant (2), intron variant (1).
Genome position (GRCh38, 1-based): chr2:232,334,447, C>A. VCF-style: chr2-232334447-C-A. GRCh37 (hg19) VCF-style: chr2-233199157-C-A.
Other names: c.1582-8898C>A (NM_001257281.2); short protein forms S746Y.
Identifiers: ClinVar variation 2755061 (VCV002755061.3), dbSNP rs1425603774, ClinGen allele CA350977771.

ClinVar aggregate classification (germline): Uncertain significance (1 of 4 stars; one submission).

Conditions:
Perlman syndrome (PRLMNS). Identifiers: Orphanet 2849, MedGen C0796113, MONDO:0009965, OMIM 267000.

Submission:

Labcorp Genetics (formerly Invitae), Labcorp
Classification: Uncertain significance for Perlman syndrome. Last evaluated: 2023-08-25. Review status: criteria provided, single submitter. Criteria: Invitae Variant Classification Sherloc (09022015). Collection method: clinical testing. Allele origin: germline.
Comment: This sequence change replaces serine, which is neutral and polar, with tyrosine, which is neutral and polar, at codon 746 of the DIS3L2 protein (p.Ser746Tyr). This variant is not present in population databases (gnomAD no frequency). In summary, the available evidence is currently insufficient to determine the role of this variant in disease. Therefore, it has been classified as a Variant of Uncertain Significance. Advanced modeling of protein sequence and biophysical properties (such as structural, functional, and spatial information, amino acid conservation, physicochemical variation, residue mobility, and thermodynamic stability) performed at Invitae indicates that this missense variant is expected to disrupt DIS3L2 protein function. This variant has not been reported in the literature in individuals affected with DIS3L2-related conditions.